The following is an entry in ClinVar:

ClinVar aggregate classification (germline): Benign/Likely benign. Review status: criteria provided, multiple submitters, no conflicts (2 of 4 stars). 2 submissions from 2 submitters: Benign (1); Likely benign (1). Last evaluated 2026-05-19.

Conditions:
Neurofibromatosis, type 1 (NF1). Also called: VON RECKLINGHAUSEN DISEASE; Neurofibromatosis, type I; NEUROFIBROMATOSIS, TYPE I, SOMATIC; Peripheral type neurofibromatosis. Identifiers: Orphanet 636, MedGen C0027831, MONDO:0018975, OMIM 162200. Disease mechanism: loss of function.

Allele frequency attached by ClinVar (database versions not stated): 1000 Genomes Project 0.00020; gnomAD 0.00001; 1000 Genomes Project 30x 0.00016; gnomAD exomes below 0.00001; ExAC 0.00001.
gnomAD v4.1: 1 of 1,614,132 alleles (0.000062%); highest among the groups gnomAD compares: South Asian, 0.0011%; no homozygotes.

Submissions (2):

Myriad Genetics, Inc.
Classification: Benign for Neurofibromatosis, type 1. Last evaluated: 2026-05-19. Review status: criteria provided, single submitter. Criteria: Myriad Autosomal Dominant, Autosomal Recessive and X-Linked Classification Criteria (2023). Collection method: clinical testing. Allele origin: unknown.
Comment: This variant is considered benign. This variant is a silent/synonymous amino acid change and it is not expected to impact splicing.

Labcorp Genetics (formerly Invitae), Labcorp
Classification: Likely benign for Neurofibromatosis, type 1. Last evaluated: 2025-12-02. Review status: criteria provided, single submitter. Criteria: Invitae Variant Classification Sherloc (09022015). Collection method: clinical testing. Allele origin: germline.

NM_001042492.3(NF1):c.3804A>T (p.Ala1268=)

Gene: NF1 (neurofibromin 1; plus strand). Cytogenetic location: 17q11.2.
Variant type: single nucleotide variant.
Coding change: c.3804A>T on transcript NM_001042492.3 (MANE Select); coding-DNA position 3804, A replaced by T.
Protein change: p.Ala1268=; no amino-acid change (alanine 1268 retained).
Molecular consequence: synonymous variant.
Genome position (GRCh38, 1-based): chr17:31,235,706, A>T. VCF-style: chr17-31235706-A-T. GRCh37 (hg19) VCF-style: chr17-29562724-A-T.
Other names: c.3804A>T, p.Ala1268= (NM_000267.4).
Identifiers: ClinVar variation 1577512 (VCV001577512.9), dbSNP rs547293714, ClinGen allele CA8486233.